The following is an entry in ClinVar:

ClinVar aggregate classification (germline): Uncertain significance. Review status: criteria provided, multiple submitters, no conflicts (2 of 4 stars). 2 submissions from 2 submitters: Uncertain significance (2). Last evaluated 2026-02-25.

Conditions:
Parkinsonism-dystonia, infantile. Identifiers: Orphanet 238455, MedGen C2751067, MONDO:0013150.

Allele frequency attached by ClinVar (database versions not stated): gnomAD 0.00001 and 0.00002; ExAC 0.00008; ESP Exome Variant Server 0.00015.
gnomAD v4.1: 89 of 1,612,468 alleles (0.0055%); highest among the groups gnomAD compares: African/African-American, 0.008%; 1 homozygote.

Submissions (2):

GeneDx
Classification: Uncertain significance. Last evaluated: 2026-02-25. Review status: criteria provided, single submitter. Criteria: GeneDx Variant Classification Process June 2021. Collection method: clinical testing. Allele origin: germline.
Comment: In silico analysis suggests that this missense variant does not alter protein structure/function; Has not been previously published as pathogenic or benign to our knowledge

Labcorp Genetics (formerly Invitae), Labcorp
Classification: Uncertain significance for Parkinsonism-dystonia, infantile. Last evaluated: 2022-05-09. Review status: criteria provided, single submitter. Criteria: Invitae Variant Classification Sherloc (09022015). Collection method: clinical testing. Allele origin: germline.
Comment: This sequence change replaces glycine, which is neutral and non-polar, with arginine, which is basic and polar, at codon 380 of the SLC6A3 protein (p.Gly380Arg). This variant is present in population databases (rs368954324, gnomAD 0.02%). This variant has not been reported in the literature in individuals affected with SLC6A3-related conditions. Algorithms developed to predict the effect of missense changes on protein structure and function output the following: SIFT: "Tolerated"; PolyPhen-2: "Benign"; Align-GVGD: "Class C0". The arginine amino acid residue is found in multiple mammalian species, which suggests that this missense change does not adversely affect protein function. In summary, the available evidence is currently insufficient to determine the role of this variant in disease. Therefore, it has been classified as a Variant of Uncertain Significance.

NM_001044.5(SLC6A3):c.1138G>A (p.Gly380Arg)

Gene: SLC6A3 (solute carrier family 6 member 3). Cytogenetic location: 5p15.33.
Variant type: single nucleotide variant.
Coding change: c.1138G>A on transcript NM_001044.5 (MANE Select); coding-DNA position 1138, G replaced by A.
Protein change: p.Gly380Arg; replaces glycine 380 with arginine.
Molecular consequence: missense variant.
Genome position (GRCh38, 1-based): chr5:1,414,709, C>T on the plus strand (G>A on the coding strand, the complement: SLC6A3 is on the minus strand). VCF-style: chr5-1414709-C-T. GRCh37 (hg19) VCF-style: chr5-1414824-C-T.
Other names: c.1138G>A (NM_001044.4); short protein forms G380R.
Identifiers: ClinVar variation 1412362 (VCV001412362.7), dbSNP rs368954324, ClinGen allele CA3186150.
Genomic context (GRCh38, chr5:1,414,709, plus strand): 5'-GTGCTACACGGAGCAGGCCCAGGTGCAGCAGGAGGGGCTCACCGTCCTTGGCCACGTCCC[C>T]GATGGGCACACTGTGCTTCTGTGCCATGTACCCCAGGAAGGAGAAGACGACGAAGCCGGA-3'
Protein context (NP_001035.1, residues 370-390): YMAQKHSVPI[Gly380Arg]DVAKDGPGLI